The following is an entry in ClinVar:

ClinVar aggregate classification (germline): Likely benign (1 of 4 stars; one submission).

Submission:

GeneDx
Classification: Likely benign. Last evaluated: 2020-10-08. Review status: criteria provided, single submitter. Criteria: GeneDx Variant Classification Process June 2021. Collection method: clinical testing. Allele origin: germline. Affected: yes.
Comment: Not observed in large population cohorts (Lek et al., 2016); In silico analysis supports that this missense variant does not alter protein structure/function; Has not been previously published as pathogenic or benign to our knowledge

NM_001197104.2(KMT2A):c.9511G>A (p.Ala3171Thr)

Gene: KMT2A (lysine methyltransferase 2A; plus strand). Cytogenetic location: 11q23.3.
Variant type: single nucleotide variant.
Coding change: c.9511G>A on transcript NM_001197104.2 (MANE Select); coding-DNA position 9511, G replaced by A.
Protein change: p.Ala3171Thr; replaces alanine 3171 with threonine.
Molecular consequence: missense variant.
Genome position (GRCh38, 1-based): chr11:118,505,403, G>A. VCF-style: chr11-118505403-G-A. GRCh37 (hg19) VCF-style: chr11-118376118-G-A.
Other names: c.9502G>A, p.Ala3168Thr (NM_005933.4); short protein forms A3168T, A3171T.
Identifiers: ClinVar variation 1196811 (VCV001196811.2), dbSNP rs2134405932, ClinGen allele CA382820803.
Genomic context (GRCh38, chr11:118,505,403, plus strand): 5'-TCTGCTAGCAAAGGATTGCTACCCATGTCTCATCACCAGCACTTACATTCCTTCCCTGCA[G>A]CTACTCAAAGTAGTTTCCCACCAAACATCAGCAATCCTCCTTCAGGCCTGCTTATTGGGG-3'
Protein context (NP_001184033.1, residues 3161-3181): HHQHLHSFPA[Ala3171Thr]TQSSFPPNIS